The following is an entry in ClinVar:

ClinVar aggregate classification (germline): Uncertain significance (1 of 4 stars; one submission).

Allele frequency attached by ClinVar (database versions not stated): TOPMed 0.00001; gnomAD 0.00003.

Submission:

Labcorp Genetics (formerly Invitae), Labcorp
Classification: Uncertain significance. Last evaluated: 2023-09-22. Review status: criteria provided, single submitter. Criteria: Invitae Variant Classification Sherloc (09022015). Collection method: clinical testing. Allele origin: germline.
Comment: Advanced modeling of protein sequence and biophysical properties (such as structural, functional, and spatial information, amino acid conservation, physicochemical variation, residue mobility, and thermodynamic stability) performed at Invitae indicates that this missense variant is not expected to disrupt COL11A2 protein function. In summary, the available evidence is currently insufficient to determine the role of this variant in disease. Therefore, it has been classified as a Variant of Uncertain Significance. This variant has not been reported in the literature in individuals affected with COL11A2-related conditions. This sequence change replaces proline, which is neutral and non-polar, with leucine, which is neutral and non-polar, at codon 30 of the COL11A2 protein (p.Pro30Leu). This variant is present in population databases (no rsID available, gnomAD 0.01%).

NM_080680.3(COL11A2):c.89C>T (p.Pro30Leu)

Gene: COL11A2 (collagen type XI alpha 2 chain; minus strand). Cytogenetic location: 6p21.32.
Variant type: single nucleotide variant.
Coding change: c.89C>T on transcript NM_080680.3 (MANE Select); coding-DNA position 89, C replaced by T.
Protein change: p.Pro30Leu; replaces proline 30 with leucine.
Molecular consequence: missense variant. On other transcripts: 5 prime UTR variant (3), non-coding transcript variant (1).
Genome position (GRCh38, 1-based): chr6:33,189,463, G>A on the plus strand (C>T on the coding strand, the complement: COL11A2 is on the minus strand). VCF-style: chr6-33189463-G-A. GRCh37 (hg19) VCF-style: chr6-33157240-G-A.
Other names: c.89C>T, p.Pro30Leu (NM_001163771.2, NM_001424108.1, NM_080679.3 and 1 more transcripts); c.-758C>T (NM_001424109.1, NM_001424110.1, NM_001424111.1); short protein forms P30L.
Identifiers: ClinVar variation 2733800 (VCV002733800.3), dbSNP rs1178493935, ClinGen allele CA363613520.